The following is an entry in ClinVar:

NM_020919.4(ALS2):c.1536A>G (p.Thr512=)

Gene: ALS2 (alsin Rho guanine nucleotide exchange factor ALS2; minus strand). Cytogenetic location: 2q33.1.
Variant type: single nucleotide variant.
Coding change: c.1536A>G on transcript NM_020919.4 (MANE Select); coding-DNA position 1536, A replaced by G.
Protein change: p.Thr512=; no amino-acid change (threonine 512 retained).
Molecular consequence: synonymous variant.
Genome position (GRCh38, 1-based): chr2:201,754,607, T>C on the plus strand (A>G on the coding strand, the complement: ALS2 is on the minus strand). VCF-style: chr2-201754607-T-C. GRCh37 (hg19) VCF-style: chr2-202619330-T-C.
Other names: c.1536A>G, p.Thr512= (NM_001410975.1); c.1536A>G (NM_020919.3).
Identifiers: ClinVar variation 2754608 (VCV002754608.4), dbSNP rs767553658, ClinGen allele CA63965880.

ClinVar aggregate classification (germline): Conflicting classifications of pathogenicity. Review status: criteria provided, conflicting classifications (1 of 4 stars). 2 submissions from 2 submitters: Uncertain significance (1); Likely benign (1). Last evaluated 2024-12-03.

Conditions:
Infantile-onset ascending hereditary spastic paralysis (IAHSP). Also called: Infantile-Onset Ascending Hereditary Spastic Paralysis (IAHSP); Autosomal Recessive Juvenile Amyotrophic Lateral Sclerosis. Identifiers: Orphanet 293168, MedGen C2931441, MONDO:0011797, OMIM 607225. Disease mechanism: loss of function.

Allele frequency attached by ClinVar (database versions not stated): gnomAD exomes below 0.00001; TOPMed 0.00001.
gnomAD v4.1: 5 of 1,614,140 alleles (0.00031%); highest among the groups gnomAD compares: Admixed American, 0.0017%; no homozygotes.

Submissions (2):

Labcorp Genetics (formerly Invitae), Labcorp
Classification: Likely benign for Infantile-onset ascending hereditary spastic paralysis. Last evaluated: 2024-12-03. Review status: criteria provided, single submitter. Criteria: Invitae Variant Classification Sherloc (09022015). Collection method: clinical testing. Allele origin: germline.

Athena Diagnostics
Classification: Uncertain significance. Last evaluated: 2023-11-07. Review status: criteria provided, single submitter. Criteria: Athena Diagnostics Criteria. Collection method: clinical testing. Allele origin: unknown.
Comment: Available data are insufficient to determine the clinical significance of the variant at this time. This variant has not been reported in large, multi-ethnic general populations. Computational tools yielded predictions that this variant is unlikely to have an effect on normal RNA splicing.